The following is an entry in ClinVar:

NM_017934.7(PHIP):c.2382C>T (p.His794=)

Gene: PHIP (PHIP subunit of CUL4-Ring ligase complex; minus strand). Cytogenetic location: 6q14.1.
Variant type: single nucleotide variant.
Coding change: c.2382C>T on transcript NM_017934.7 (MANE Select); coding-DNA position 2382, C replaced by T.
Protein change: p.His794=; no amino-acid change (histidine 794 retained).
Molecular consequence: synonymous variant.
Genome position (GRCh38, 1-based): chr6:78,988,287, G>A on the plus strand (C>T on the coding strand, the complement: PHIP is on the minus strand). VCF-style: chr6-78988287-G-A. GRCh37 (hg19) VCF-style: chr6-79698004-G-A.
Other names: c.2382C>T (NM_017934.6).
Identifiers: ClinVar variation 1980456 (VCV001980456.6), dbSNP rs754314182, ClinGen allele CA3899969.
Genomic context (GRCh38, chr6:78,988,287, plus strand): 5'-ATTTTCTATCTCTTCTGAGGGTCTAGGAGTCTCTTCCAATGCAGATCTTGTACGATAATT[G>A]TGTTGATTTGTCTGTTGCTTTTTGGATTCTCCAAGATCCAGGAAATGCTCATGAGCATGA-3'
Protein context (NP_060404.4, residues 784-804): GESKKQQTNQ[His794=]NYRTRSALEE

ClinVar aggregate classification (germline): Likely benign. Review status: criteria provided, single submitter (1 of 4 stars). 2 submissions from 2 submitters: Likely benign (1). 1 of the submissions does not count toward it. Last evaluated 2025-11-24.

Conditions:
PHIP-related disorder. Also called: PHIP-related disorders; PHIP-related condition.

Allele frequency attached by ClinVar (database versions not stated): gnomAD exomes 0.00003; ExAC 0.00004; TOPMed 0.00004.
gnomAD v4.1: 52 of 1,606,308 alleles (0.0032%); highest among the groups gnomAD compares: Middle Eastern, 0.099%; no homozygotes.

Submissions (2):

Labcorp Genetics (formerly Invitae), Labcorp
Classification: Likely benign. Last evaluated: 2025-11-24. Review status: criteria provided, single submitter. Criteria: Invitae Variant Classification Sherloc (09022015). Collection method: clinical testing. Allele origin: germline.

PreventionGenetics, part of Exact Sciences
Classification: Likely benign for PHIP-related condition. Last evaluated: 2022-11-16. Review status: no assertion criteria provided. Collection method: clinical testing. Allele origin: germline. Not counted in ClinVar's aggregate classification.
Comment: This variant is classified as likely benign based on ACMG/AMP sequence variant interpretation guidelines (Richards et al. 2015 PMID: 25741868, with internal and published modifications).